The following is an entry in ClinVar:

ClinVar aggregate classification (germline): Uncertain significance. Review status: criteria provided, multiple submitters, no conflicts (2 of 4 stars). 4 submissions from 4 submitters: Uncertain significance (3). 1 of the submissions does not count toward it. Last evaluated 2025-02-20.

Conditions:
Inborn genetic diseases. Identifiers: MedGen C0950123, MeSH D030342.
Late-infantile neuronal ceroid lipofuscinosis. Also called: Jansky-Bielschowsky disease. Identifiers: MedGen C0022340, MONDO:0015674.
Neuronal ceroid lipofuscinosis 7 (CLN7). Also called: MFSD8-Related Neuronal Ceroid-Lipofuscinosis. Identifiers: Orphanet 168491, Orphanet 228366, MedGen C1838571, MONDO:0012588, OMIM 610951.

Allele frequency attached by ClinVar (database versions not stated): gnomAD exomes 0.00001.
gnomAD v4.1: 5 of 1,614,172 alleles (0.00031%); highest among the groups gnomAD compares: Non-Finnish European, 0.00042%; no homozygotes.

Submissions (4):

Ambry Genetics
Classification: Uncertain significance for Inborn genetic diseases. Last evaluated: 2025-02-20. Review status: criteria provided, single submitter. Criteria: Ambry Variant Classification Scheme 2023. Collection method: clinical testing. Allele origin: germline.

Blueprint Genetics
Classification: Uncertain significance. Last evaluated: 2024-03-01. Review status: criteria provided, single submitter. Criteria: ACMG Guidelines, 2015. Collection method: clinical testing. Allele origin: germline.

Labcorp Genetics (formerly Invitae), Labcorp
Classification: Uncertain significance for Neuronal ceroid lipofuscinosis 7. Last evaluated: 2021-09-01. Review status: criteria provided, single submitter. Criteria: Invitae Variant Classification Sherloc (09022015). Collection method: clinical testing. Allele origin: germline.
Comment: This sequence change replaces isoleucine with threonine at codon 144 of the MFSD8 protein (p.Ile144Thr). The isoleucine residue is weakly conserved and there is a moderate physicochemical difference between isoleucine and threonine. This variant is not present in population databases (ExAC no frequency). This variant has not been reported in the literature in individuals affected with MFSD8-related conditions. Algorithms developed to predict the effect of missense changes on protein structure and function (SIFT, PolyPhen-2, Align-GVGD) all suggest that this variant is likely to be tolerated. In summary, the available evidence is currently insufficient to determine the role of this variant in disease. Therefore, it has been classified as a Variant of Uncertain Significance.

Natera, Inc.
Classification: Uncertain significance for Late-infantile neuronal ceroid lipofuscinosis. Last evaluated: 2021-08-10. Review status: no assertion criteria provided. Collection method: clinical testing. Allele origin: germline. Not counted in ClinVar's aggregate classification.

NM_001371596.2(MFSD8):c.431T>C (p.Ile144Thr)

Gene: MFSD8 (major facilitator superfamily domain containing 8; minus strand). Cytogenetic location: 4q28.2.
Variant type: single nucleotide variant.
Coding change: c.431T>C on transcript NM_001371596.2 (MANE Select); coding-DNA position 431, T replaced by C.
Protein change: p.Ile144Thr; replaces isoleucine 144 with threonine.
Molecular consequence: missense variant.
Genome position (GRCh38, 1-based): chr4:127,943,760, A>G on the plus strand (T>C on the coding strand, the complement: MFSD8 is on the minus strand). VCF-style: chr4-127943760-A-G. GRCh37 (hg19) VCF-style: chr4-128864915-A-G.
Other names: c.431T>C, p.Ile144Thr (NM_001363520.3, NM_001363521.3, NM_001371591.2 and 5 more transcripts); c.296T>C, p.Ile99Thr (NM_001371590.2, NM_001371595.1, NM_001410765.1); short protein forms I144T, I99T.
Identifiers: ClinVar variation 841650 (VCV000841650.8), dbSNP rs1227703492, ClinGen allele CA358176664.